The following is an entry in ClinVar:

NM_024422.6(DSC2):c.62C>A (p.Thr21Asn)

Genes: DSC2 (desmocollin 2; minus strand), DSCAS (DSC1/DSC2 antisense RNA; plus strand). Cytogenetic location: 18q12.1.
Variant type: single nucleotide variant.
Coding change: c.62C>A on transcript NM_024422.6 (MANE Select); coding-DNA position 62, C replaced by A.
Protein change: p.Thr21Asn; replaces threonine 21 with asparagine.
Molecular consequence: missense variant.
Genome position (GRCh38, 1-based): chr18:31,101,910, G>T on the plus strand (C>A on the coding strand, the complement: DSC2 is on the minus strand). VCF-style: chr18-31101910-G-T. GRCh37 (hg19) VCF-style: chr18-28681873-G-T.
Other names: c.62C>A, p.Thr21Asn (NM_004949.5); short protein forms T21N.
Identifiers: ClinVar variation 922713 (VCV000922713.9), dbSNP rs931909783, ClinGen allele CA297652454.

ClinVar aggregate classification (germline): Uncertain significance. Review status: criteria provided, multiple submitters, no conflicts (2 of 4 stars). 2 submissions from 2 submitters: Uncertain significance (2). Last evaluated 2026-01-19.

Conditions:
Arrhythmogenic right ventricular dysplasia 11. Also called: ARRHYTHMOGENIC RIGHT VENTRICULAR DYSPLASIA, FAMILIAL, 11; Arrhythmogenic Right Ventricular Dysplasia/Cardiomyopathy11; Arrhythmogenic right ventricular dysplasia 11 with mild palmoplantar keratoderma and woolly hair. Identifiers: MedGen C1864850, MONDO:0012506, OMIM 610476.
Cardiomyopathy (CMYO). Also called: Cardiomyopathies. Identifiers: Orphanet 167848, MedGen C0878544, MONDO:0004994, HP:0001638. Inheritance: Various modes of inheritance.

Allele frequency attached by ClinVar (database versions not stated): TOPMed 0.00001; gnomAD exomes below 0.00001; gnomAD 0.00001.

Submissions (2):

Labcorp Genetics (formerly Invitae), Labcorp
Classification: Uncertain significance for Arrhythmogenic right ventricular dysplasia 11. Last evaluated: 2026-01-19. Review status: criteria provided, single submitter. Criteria: Invitae Variant Classification Sherloc (09022015). Collection method: clinical testing. Allele origin: germline.
Comment: This sequence change replaces threonine, which is neutral and polar, with asparagine, which is neutral and polar, at codon 21 of the DSC2 protein (p.Thr21Asn). This variant is not present in population databases (gnomAD no frequency). This variant has not been reported in the literature in individuals affected with DSC2-related conditions. ClinVar contains an entry for this variant (Variation ID: 922713). Invitae Evidence Modeling of protein sequence and biophysical properties (such as structural, functional, and spatial information, amino acid conservation, physicochemical variation, residue mobility, and thermodynamic stability) indicates that this missense variant is not expected to disrupt DSC2 protein function with a negative predictive value of 80%. In summary, the available evidence is currently insufficient to determine the role of this variant in disease. Therefore, it has been classified as a Variant of Uncertain Significance.

Color Diagnostics, LLC DBA Color Health
Classification: Uncertain significance for Cardiomyopathy. Last evaluated: 2024-03-06. Review status: criteria provided, single submitter. Criteria: ACMG Guidelines, 2015. Collection method: clinical testing. Allele origin: germline.
Comment: This missense variant replaces threonine with asparagine at codon 21 of the DSC2 protein. Computational prediction tool suggests that this variant may not impact protein structure and function (internally defined REVEL score threshold <=0.5, PMID: 27666373). Splice site prediction tools suggest that this variant may not impact RNA splicing. To our knowledge, functional studies have not been performed for this variant. This variant has not been reported in individuals affected with cardiovascular disorders in the literature. This variant has not been identified in the general population by the Genome Aggregation Database (gnomAD). The available evidence is insufficient to determine the role of this variant in disease conclusively. Therefore, this variant is classified as a Variant of Uncertain Significance.